The following is an entry in ClinVar:

NM_001010892.3(RSPH4A):c.586G>A (p.Ala196Thr)

Gene: RSPH4A (radial spoke head component 4A; plus strand). Cytogenetic location: 6q22.1.
Variant type: single nucleotide variant.
Coding change: c.586G>A on transcript NM_001010892.3 (MANE Select); coding-DNA position 586, G replaced by A.
Protein change: p.Ala196Thr; replaces alanine 196 with threonine.
Molecular consequence: missense variant.
Genome position (GRCh38, 1-based): chr6:116,617,209, G>A. VCF-style: chr6-116617209-G-A. GRCh37 (hg19) VCF-style: chr6-116938372-G-A.
Other names: c.586G>A, p.Ala196Thr (NM_001161664.2); short protein forms A196T.
Identifiers: ClinVar variation 907282 (VCV000907282.10), dbSNP rs1436446801, ClinGen allele CA365394896.

ClinVar aggregate classification (germline): Uncertain significance. Review status: criteria provided, multiple submitters, no conflicts (2 of 4 stars). 2 submissions from 2 submitters: Uncertain significance (2). Last evaluated 2025-03-17.

Conditions:
Primary ciliary dyskinesia. Also called: Ciliary dyskinesia. Identifiers: Orphanet 244, MedGen C0008780, MONDO:0016575, HP:0012265.
Primary ciliary dyskinesia 11. Also called: CILIARY DYSKINESIA, PRIMARY, 11, WITHOUT SITUS INVERSUS. Identifiers: Orphanet 244, MedGen C2675229, MONDO:0012978, OMIM 612649.

Allele frequency attached by ClinVar (database versions not stated): gnomAD exomes below 0.00001; TOPMed below 0.00001.
gnomAD v4.1: 2 of 1,614,148 alleles (0.00012%); highest among the groups gnomAD compares: Non-Finnish European, 0.00017%; no homozygotes.

Submissions (2):

Labcorp Genetics (formerly Invitae), Labcorp
Classification: Uncertain significance for Primary ciliary dyskinesia. Last evaluated: 2025-03-17. Review status: criteria provided, single submitter. Criteria: Invitae Variant Classification Sherloc (09022015). Collection method: clinical testing. Allele origin: germline.
Comment: This sequence change replaces alanine, which is neutral and non-polar, with threonine, which is neutral and polar, at codon 196 of the RSPH4A protein (p.Ala196Thr). This variant is not present in population databases (gnomAD no frequency). This variant has not been reported in the literature in individuals affected with RSPH4A-related conditions. ClinVar contains an entry for this variant (Variation ID: 907282). An algorithm developed to predict the effect of missense changes on protein structure and function (PolyPhen-2) suggests that this variant is likely to be tolerated. In summary, the available evidence is currently insufficient to determine the role of this variant in disease. Therefore, it has been classified as a Variant of Uncertain Significance.

Illumina Laboratory Services, Illumina
Classification: Uncertain significance for Primary ciliary dyskinesia 11. Last evaluated: 2018-01-13. Review status: criteria provided, single submitter. Criteria: ICSL Variant Classification Criteria 13 December 2019. Collection method: clinical testing. Allele origin: germline.